The following is an entry in ClinVar:

NM_001330260.2(SCN8A):c.1635+3A>G

Gene: SCN8A (sodium voltage-gated channel alpha subunit 8; plus strand). Cytogenetic location: 12q13.13.
Variant type: single nucleotide variant.
Coding change: c.1635+3A>G on transcript NM_001330260.2 (MANE Select); 3 bases into the intron after coding-DNA position 1635, A replaced by G.
Molecular consequence: intron variant.
Genome position (GRCh38, 1-based): chr12:51,706,718, A>G. VCF-style: chr12-51706718-A-G. GRCh37 (hg19) VCF-style: chr12-52100502-A-G.
Other names: c.1635+3A>G (NM_014191.4, NM_001177984.3, NM_001369788.1).
Identifiers: ClinVar variation 4084916 (VCV004084916.8).

ClinVar aggregate classification (germline): Likely benign (1 of 4 stars; one submission).

gnomAD v4.1: 2 of 1,519,142 alleles (0.00013%); highest among the groups gnomAD compares: African/African-American, 0.0014%; no homozygotes.

Submission:

CeGaT Center for Human Genetics Tuebingen
Classification: Likely benign. Last evaluated: 2025-07-01. Review status: criteria provided, single submitter. Criteria: CeGaT Center For Human Genetics Tuebingen Variant Classification Criteria Version 2. Collection method: clinical testing. Allele origin: germline. Affected: yes. Observed: 1 variant allele.
Comment: SCN8A: BP4